The following is an entry in ClinVar:

ClinVar aggregate classification (germline): Uncertain significance (1 of 4 stars; one submission).

Conditions:
Nemaline myopathy 2 (NEM2). Also called: Nemaline myopathy 2, autosomal recessive. Identifiers: MedGen C1850569, MONDO:0009725, OMIM 256030.

Allele frequency attached by ClinVar (database versions not stated): gnomAD exomes below 0.00001; gnomAD 0.00001.
gnomAD v4.1: 3 of 1,613,880 alleles (0.00019%); highest among the groups gnomAD compares: Non-Finnish European, 0.00025%; no homozygotes.

Submission:

Labcorp Genetics (formerly Invitae), Labcorp
Classification: Uncertain significance for Nemaline myopathy 2. Last evaluated: 2021-07-30. Review status: criteria provided, single submitter. Criteria: Invitae Variant Classification Sherloc (09022015). Collection method: clinical testing. Allele origin: germline.
Comment: In summary, this variant is a novel missense change that is not predicted to affect protein function. There is no indication that it causes disease, but the available evidence is currently insufficient to prove that conclusively. Therefore, it has been classified as a Variant of Uncertain Significance. Algorithms developed to predict the effect of missense changes on protein structure and function (SIFT, PolyPhen-2, Align-GVGD) all suggest that this variant is likely to be tolerated, but these predictions have not been confirmed by published functional studies. This variant is not present in population databases (ExAC no frequency) and has not been reported in the literature in individuals with a NEB-related disease. This sequence change replaces histidine with arginine at codon 7506 of the NEB protein (p.His7506Arg). The histidine residue is moderately conserved and there is a small physicochemical difference between histidine and arginine.

NM_001164508.2(NEB):c.22412A>G (p.His7471Arg)

Genes: NEB (nebulin; minus strand), RIF1 (replication timing regulatory factor 1; plus strand). Cytogenetic location: 2q23.3.
Variant type: single nucleotide variant.
Coding change: c.22412A>G on transcript NM_001164508.2 (MANE Select); coding-DNA position 22412, A replaced by G.
Protein change: p.His7471Arg; replaces histidine 7471 with arginine.
Molecular consequence: missense variant.
Genome position (GRCh38, 1-based): chr2:151,524,378, T>C on the plus strand (A>G on the coding strand, the complement: NEB is on the minus strand). VCF-style: chr2-151524378-T-C. GRCh37 (hg19) VCF-style: chr2-152380892-T-C.
Other names: c.22412A>G, p.His7471Arg (NM_001164507.2); c.22517A>G, p.His7506Arg (NM_001271208.2); c.17309A>G, p.His5770Arg (NM_004543.5); short protein forms H7506R, H5770R, H7471R.
Identifiers: ClinVar variation 465566 (VCV000465566.8), dbSNP rs1553641474, ClinGen allele CA348764825.
Genomic context (GRCh38, chr2:151,524,378, plus strand): 5'-CTCAGCTTGGCTGCCTTCTTGGCCATTTCTATGTCTGGGCGACCGAGCATGCTTAAGCCA[T>C]GGCTGCCTTCCTTGCGGTGCTTGGCTCTGTACTCCACCTGAATCAGAGAAAACCAAAATG-3'
Protein context (NP_001157980.2, residues 7461-7481): YRAKHRKEGS[His7471Arg]GLSMLGRPDI